The following is an entry in ClinVar:

ClinVar aggregate classification (germline): Benign/Likely benign. Review status: criteria provided, multiple submitters, no conflicts (2 of 4 stars). 4 submissions from 3 submitters: Benign (3); Likely benign (1). Last evaluated 2018-06-29.

Conditions:
Joubert syndrome 24 (JBTS24). Identifiers: Orphanet 475, MedGen C4084841, MONDO:0014724, OMIM 616654.
Meckel syndrome, type 8. Identifiers: Orphanet 564, MedGen C3836857, MONDO:0013482, OMIM 613885.

Allele frequency attached by ClinVar (database versions not stated): gnomAD exomes 0.02238; gnomAD 0.05518 and 0.05704; 1000 Genomes Project 0.05931; 1000 Genomes Project 30x 0.05996; TOPMed 0.06156.

Submissions (4):

GeneDx
Classification: Benign. Last evaluated: 2018-06-29. Review status: criteria provided, single submitter. Criteria: GeneDx Variant Classification Process June 2021. Collection method: clinical testing. Allele origin: germline. Affected: yes.

Illumina Laboratory Services, Illumina
Classification: Benign for Meckel syndrome, type 8. Last evaluated: 2018-01-12. Review status: criteria provided, single submitter. Criteria: ICSL Variant Classification Criteria 13 December 2019. Collection method: clinical testing. Allele origin: germline.
Comment: This variant was observed in the ICSL laboratory as part of a predisposition screen in an ostensibly healthy population. It had not been previously curated by ICSL or reported in the Human Gene Mutation Database (HGMD: prior to June 1st, 2018), and was therefore a candidate for classification through an automated scoring system. Utilizing variant allele frequency, disease prevalence and penetrance estimates, and inheritance mode, an automated score was calculated to assess if this variant is too frequent to cause the disease. Based on the score and internal cut-off values, a variant classified as benign is not then subjected to further curation. The score for this variant resulted in a classification of benign for this disease.

Illumina Laboratory Services, Illumina
Classification: Benign for Joubert syndrome 24. Last evaluated: 2018-01-12. Review status: criteria provided, single submitter. Criteria: ICSL Variant Classification Criteria 13 December 2019. Collection method: clinical testing. Allele origin: germline.
Comment: the same text as in the submission from Illumina Laboratory Services, Illumina above.

Breakthrough Genomics
Classification: Likely benign. Review status: criteria provided, single submitter. Criteria: ACMG Guidelines, 2015. Collection method: not provided. Allele origin: germline. Inheritance: Autosomal recessive inheritance. Affected: yes.

NM_024809.5(TCTN2):c.*87C>T

Gene: TCTN2 (tectonic family member 2; plus strand). Cytogenetic location: 12q24.31.
Variant type: single nucleotide variant.
Coding change: c.*87C>T on transcript NM_024809.5 (MANE Select); 87 bases downstream of the stop codon, C replaced by T.
Molecular consequence: 3 prime UTR variant.
Genome position (GRCh38, 1-based): chr12:123,707,800, C>T. VCF-style: chr12-123707800-C-T. GRCh37 (hg19) VCF-style: chr12-124192347-C-T.
Other names: c.*87C>T (NM_001143850.3).
Identifiers: ClinVar variation 307563 (VCV000307563.9), dbSNP rs113292231, ClinGen allele CA10632198.